The following is an entry in ClinVar:

ClinVar aggregate classification (germline): Likely benign (0 of 4 stars; one submission).

Conditions:
PLXNA3-related disorder. Also called: PLXNA3-related condition.

Allele frequency attached by ClinVar (database versions not stated): TOPMed 0.00066; ExAC 0.00071; 1000 Genomes Project 0.00079; gnomAD 0.00080; 1000 Genomes Project 30x 0.00083; gnomAD exomes 0.00101; ESP Exome Variant Server 0.00104.
gnomAD v4.1: 1,186 of 1,210,017 alleles (0.098%); highest among the groups gnomAD compares: Non-Finnish European, 0.12%; 2 homozygotes.

Submission:

PreventionGenetics, part of Exact Sciences
Classification: Likely benign for PLXNA3-related condition. Last evaluated: 2019-03-28. Review status: no assertion criteria provided. Collection method: clinical testing. Allele origin: germline.
Comment: This variant is classified as likely benign based on ACMG/AMP sequence variant interpretation guidelines (Richards et al. 2015 PMID: 25741868, with internal and published modifications).

NM_017514.5(PLXNA3):c.4083C>T (p.Arg1361=)

Gene: PLXNA3 (plexin A3; plus strand). Cytogenetic location: Xq28.
Variant type: single nucleotide variant.
Coding change: c.4083C>T on transcript NM_017514.5 (MANE Select); coding-DNA position 4083, C replaced by T.
Protein change: p.Arg1361=; no amino-acid change (arginine 1361 retained).
Molecular consequence: synonymous variant.
Genome position (GRCh38, 1-based): chrX:154,468,422, C>T. VCF-style: chrX-154468422-C-T. GRCh37 (hg19) VCF-style: chrX-153696765-C-T.
Identifiers: ClinVar variation 3051499 (VCV003051499.2), dbSNP rs140160422, ClinGen allele CA10564798.